The following is an entry in ClinVar:

NM_002474.3(MYH11):c.459C>A (p.His153Gln)

Gene: MYH11 (myosin heavy chain 11; minus strand). Cytogenetic location: 16p13.11.
Variant type: single nucleotide variant.
Coding change: c.459C>A on transcript NM_002474.3 (MANE Select); coding-DNA position 459, C replaced by A.
Protein change: p.His153Gln; replaces histidine 153 with glutamine.
Molecular consequence: missense variant.
Genome position (GRCh38, 1-based): chr16:15,823,298, G>T on the plus strand (C>A on the coding strand, the complement: MYH11 is on the minus strand). VCF-style: chr16-15823298-G-T. GRCh37 (hg19) VCF-style: chr16-15917155-G-T.
Other names: c.459C>A, p.His153Gln (NM_001040113.2, NM_001040114.2, NM_022844.3); short protein forms H153Q.
Identifiers: ClinVar variation 3074419 (VCV003074419.1), dbSNP rs1057521511, ClinGen allele CA394882347.

ClinVar aggregate classification (germline): Uncertain significance (1 of 4 stars; one submission).

Conditions:
Familial thoracic aortic aneurysm and aortic dissection (TAAD). Also called: Thoracic aortic aneurysms and dissections. Identifiers: Orphanet 91387, MedGen C4707243, MONDO:0019625.

Submission:

All of Us Research Program, National Institutes of Health
Classification: Uncertain significance for Familial thoracic aortic aneurysm and aortic dissection. Last evaluated: 2023-12-01. Review status: criteria provided, single submitter. Criteria: ACMG Guidelines, 2015. Collection method: clinical testing. Allele origin: germline. Inheritance: Autosomal dominant inheritance. Observed: 1 variant allele, 1 heterozygote.
Comment: This study involves interpretation of variants in research participants for the purpose of population health screening. Participant phenotype was not available at the time of variant classification. Additional details can be found in publication PMID: 35346344, PMCID: PMC8962531